The following is an entry in ClinVar:

NM_001195263.2(PDZD7):c.1653T>G (p.Val551=)

Gene: PDZD7 (PDZ domain containing 7; minus strand). Cytogenetic location: 10q24.31.
Variant type: single nucleotide variant.
Coding change: c.1653T>G on transcript NM_001195263.2 (MANE Select); coding-DNA position 1653, T replaced by G.
Protein change: p.Val551=; no amino-acid change (valine 551 retained).
Molecular consequence: synonymous variant.
Genome position (GRCh38, 1-based): chr10:101,015,732, A>C on the plus strand (T>G on the coding strand, the complement: PDZD7 is on the minus strand). VCF-style: chr10-101015732-A-C. GRCh37 (hg19) VCF-style: chr10-102775489-A-C.
Identifiers: ClinVar variation 1164589 (VCV001164589.37), dbSNP rs773008252, ClinGen allele CA5654047.

ClinVar aggregate classification (germline): Benign/Likely benign. Review status: criteria provided, multiple submitters, no conflicts (2 of 4 stars). 6 submissions from 6 submitters: Benign (1); Likely benign (5). Last evaluated 2025-10-29.

Conditions:
PDZD7-related disorder. Also called: PDZD7-related condition; PDZD7-related disorders.

Allele frequency attached by ClinVar (database versions not stated): gnomAD 0.00012 and 0.00014; ExAC 0.00027; TOPMed 0.00014; gnomAD exomes 0.00020.

Submissions (6):

Labcorp Genetics (formerly Invitae), Labcorp
Classification: Benign. Last evaluated: 2025-10-29. Review status: criteria provided, single submitter. Criteria: Invitae Variant Classification Sherloc (09022015). Collection method: clinical testing. Allele origin: germline.

PreventionGenetics, part of Exact Sciences
Classification: Likely benign for PDZD7-related condition. Last evaluated: 2025-01-05. Review status: criteria provided, single submitter. Criteria: ACMG Guidelines, 2015. Collection method: clinical testing. Allele origin: germline.
Comment: This variant is classified as likely benign based on ACMG/AMP sequence variant interpretation guidelines (Richards et al. 2015 PMID: 25741868, with internal and published modifications).

Blueprint Genetics
Classification: Likely benign. Last evaluated: 2024-10-14. Review status: criteria provided, single submitter. Criteria: ACMG Guidelines, 2015. Collection method: clinical testing. Allele origin: germline.

CeGaT Center for Human Genetics Tuebingen
Classification: Likely benign. Last evaluated: 2023-03-01. Review status: criteria provided, single submitter. Criteria: CeGaT Center For Human Genetics Tuebingen Variant Classification Criteria Version 2. Collection method: clinical testing. Allele origin: germline. Affected: yes. Observed: 1 variant allele.
Comment: PDZD7: BP4, BP7

GeneDx
Classification: Likely benign. Last evaluated: 2020-07-13. Review status: criteria provided, single submitter. Criteria: GeneDx Variant Classification Process June 2021. Collection method: clinical testing. Allele origin: germline. Affected: yes.

Breakthrough Genomics
Classification: Likely benign. Review status: criteria provided, single submitter. Criteria: ACMG Guidelines, 2015. Collection method: not provided. Allele origin: germline. Inheritance: Autosomal recessive inheritance. Affected: yes.